The following is an entry in ClinVar:

NM_000059.4(BRCA2):c.8629del (p.Glu2877fs)

Gene: BRCA2 (BRCA2 DNA repair associated; plus strand). Cytogenetic location: 13q13.1.
Variant type: Deletion.
Coding change: c.8629del on transcript NM_000059.4 (MANE Select); coding-DNA position 8629, one base deleted (G; older notation c.8629delG).
Protein change: p.Glu2877fs; shifts the reading frame from glutamic acid 2877.
Molecular consequence: frameshift variant.
Genome position (GRCh38, 1-based): chr13:32,371,097, G deleted. VCF-style (leftmost placement, unchanged base first): chr13-32371096-TG-T. GRCh37 (hg19) VCF-style: chr13-32945233-TG-T.
Other names: short protein forms E2877fs.
Identifiers: ClinVar variation 944044 (VCV000944044.8), dbSNP rs2072831157, ClinGen allele CA1139663174.

ClinVar aggregate classification (germline): Pathogenic (1 of 4 stars; one submission).

Conditions:
Hereditary breast ovarian cancer syndrome. Also called: Hereditary breast and ovarian cancer syndrome (HBOC); Hereditary breast and ovarian cancer; Breast and ovarian cancer; BRCA1- and BRCA2-Associated Hereditary Breast and Ovarian Cancer; Hereditary breast and ovarian cancer syndrome; Hereditary breast and/or ovarian cancer syndrome. Identifiers: Orphanet 145, MedGen C0677776, MeSH D061325, MONDO:0003582. Disease mechanism: loss of function.

Submission:

Labcorp Genetics (formerly Invitae), Labcorp
Classification: Pathogenic for Hereditary breast ovarian cancer syndrome. Last evaluated: 2022-11-28. Review status: criteria provided, single submitter. Criteria: Invitae Variant Classification Sherloc (09022015). Collection method: clinical testing. Allele origin: germline.
Comment: For these reasons, this variant has been classified as Pathogenic. ClinVar contains an entry for this variant (Variation ID: 944044). This variant has not been reported in the literature in individuals affected with BRCA2-related conditions. This variant is not present in population databases (gnomAD no frequency). This sequence change creates a premature translational stop signal (p.Glu2877Lysfs*14) in the BRCA2 gene. It is expected to result in an absent or disrupted protein product. Loss-of-function variants in BRCA2 are known to be pathogenic (PMID: 20104584).

Literature cited by the submitters: PubMed 20104584.